The following is an entry in ClinVar:

NM_000260.4(MYO7A):c.5507T>G (p.Leu1836Arg)

Gene: MYO7A (myosin VIIA; plus strand). Cytogenetic location: 11q13.5.
Variant type: single nucleotide variant.
Coding change: c.5507T>G on transcript NM_000260.4 (MANE Select); coding-DNA position 5507, T replaced by G.
Protein change: p.Leu1836Arg; replaces leucine 1836 with arginine.
Molecular consequence: missense variant.
Genome position (GRCh38, 1-based): chr11:77,205,488, T>G. VCF-style: chr11-77205488-T-G. GRCh37 (hg19) VCF-style: chr11-76916533-T-G.
Other names: c.5393T>G, p.Leu1798Arg (NM_001127180.2); c.5360T>G, p.Leu1787Arg (NM_001369365.1); short protein forms L1787R, L1798R, L1836R.
Identifiers: ClinVar variation 5004469 (VCV005004469.1).

ClinVar aggregate classification (germline): Uncertain significance (1 of 4 stars; one submission).

Conditions:
Usher syndrome type 1 (USH1). Also called: RETINITIS PIGMENTOSA AND CONGENITAL DEAFNESS. Identifiers: Orphanet 231169, Orphanet 886, MedGen C1568247, MONDO:0010168, OMIM 276900.

gnomAD v4.1: 1 of 1,587,142 alleles (0.000063%); highest among the groups gnomAD compares: Non-Finnish European, 0.000086%; no homozygotes.

Submission:

Myriad Genetics, Inc.
Classification: Uncertain significance for Usher syndrome type 1. Last evaluated: 2026-02-13. Review status: criteria provided, single submitter. Criteria: Myriad Autosomal Dominant, Autosomal Recessive and X-Linked Classification Criteria (2023). Collection method: clinical testing. Allele origin: unknown.
Comment: NM_000260.3(MYO7A):c.5507T>G(L1836R) is a missense variant classified as a variant of uncertain significance in the context of MYO7A-related disorders. L1836R has not been observed in cases with relevant disease. Relevant functional assessments of this variant are not available in the literature. L1836R has been observed in referenced population frequency databases. In summary, there is insufficient evidence to classify NM_000260.3(MYO7A):c.5507T>G(L1836R) as pathogenic or benign. Please note: this variant was assessed in the context of healthy population screening.